The following is an entry in ClinVar:

NM_017491.5(WDR1):c.1058C>T (p.Thr353Met)

Gene: WDR1 (WD repeat domain 1; minus strand). Cytogenetic location: 4p16.1.
Variant type: single nucleotide variant.
Coding change: c.1058C>T on transcript NM_017491.5 (MANE Select); coding-DNA position 1058, C replaced by T.
Protein change: p.Thr353Met; replaces threonine 353 with methionine.
Molecular consequence: missense variant.
Genome position (GRCh38, 1-based): chr4:10,083,160, G>A on the plus strand (C>T on the coding strand, the complement: WDR1 is on the minus strand). VCF-style: chr4-10083160-G-A. GRCh37 (hg19) VCF-style: chr4-10084784-G-A.
Other names: c.638C>T, p.Thr213Met (NM_005112.5); short protein forms T353M, T213M.
Identifiers: ClinVar variation 1959153 (VCV001959153.3), dbSNP rs767484132, ClinGen allele CA356359836.
Genomic context (GRCh38, chr4:10,083,160, plus strand): 5'-ACGGTCATCCTGGACACCTGGTTCGTGTGGCCTTTCCCAGCGAAGGAGTCGTTCTCCCCC[G>A]TCTCTGAATCCCAGTAATGTAGGGTGGGGTTAAGGAAAAGCCCGGCTCCCAGGACTGCTG-3'
Protein context (NP_059830.1, residues 343-363): DGHINYWDSE[Thr353Met]GENDSFAGKG

ClinVar aggregate classification (germline): Uncertain significance (1 of 4 stars; one submission).

Submission:

Labcorp Genetics (formerly Invitae), Labcorp
Classification: Uncertain significance. Last evaluated: 2022-07-20. Review status: criteria provided, single submitter. Criteria: Invitae Variant Classification Sherloc (09022015). Collection method: clinical testing. Allele origin: germline.
Comment: This variant has not been reported in the literature in individuals affected with WDR1-related conditions. In summary, the available evidence is currently insufficient to determine the role of this variant in disease. Therefore, it has been classified as a Variant of Uncertain Significance. Algorithms developed to predict the effect of missense changes on protein structure and function are either unavailable or do not agree on the potential impact of this missense change (SIFT: "Deleterious"; PolyPhen-2: "Benign"; Align-GVGD: "Class C0"). This variant is not present in population databases (gnomAD no frequency). This sequence change replaces threonine, which is neutral and polar, with methionine, which is neutral and non-polar, at codon 353 of the WDR1 protein (p.Thr353Met).